The following is an entry in ClinVar:

ClinVar aggregate classification (germline): Benign/Likely benign. Review status: criteria provided, multiple submitters, no conflicts (2 of 4 stars). 3 submissions from 3 submitters: Benign (1); Likely benign (2). Last evaluated 2026-01-11.

Conditions:
Oligodontia-cancer predisposition syndrome. Also called: TOOTH AGENESIS-COLORECTAL CANCER SYNDROME. Identifiers: Orphanet 300576, MedGen C1837750, MONDO:0012075, OMIM 608615. Disease mechanism: loss of function.
Hereditary cancer-predisposing syndrome. Also called: Tumor predisposition; Neoplastic Syndromes, Hereditary; Hereditary neoplastic syndrome; Hereditary Cancer Syndrome. Identifiers: Orphanet 140162, MedGen C0027672, MeSH D009386, MONDO:0015356.

Allele frequency attached by ClinVar (database versions not stated): gnomAD exomes below 0.00001; gnomAD 0.00001.
gnomAD v4.1: 8 of 1,614,094 alleles (0.0005%); highest among the groups gnomAD compares: East Asian, 0.016%; no homozygotes.

Submissions (3):

Labcorp Genetics (formerly Invitae), Labcorp
Classification: Likely benign for Oligodontia-cancer predisposition syndrome. Last evaluated: 2026-01-11. Review status: criteria provided, single submitter. Criteria: Invitae Variant Classification Sherloc (09022015). Collection method: clinical testing. Allele origin: germline.

Myriad Genetics, Inc.
Classification: Benign for Oligodontia-cancer predisposition syndrome. Last evaluated: 2024-07-01. Review status: criteria provided, single submitter. Criteria: Myriad Autosomal Dominant, Autosomal Recessive and X-Linked Classification Criteria (2023). Collection method: clinical testing. Allele origin: unknown.
Comment: This variant is considered benign. This variant is a silent/synonymous amino acid change and it is not expected to impact splicing.

Ambry Genetics
Classification: Likely benign for Hereditary cancer-predisposing syndrome. Last evaluated: 2019-07-16. Review status: criteria provided, single submitter. Criteria: Ambry Variant Classification Scheme 2023. Collection method: clinical testing. Allele origin: germline.

NM_004655.4(AXIN2):c.1131G>A (p.Arg377=)

Gene: AXIN2 (axin 2; minus strand). Cytogenetic location: 17q24.1.
Variant type: single nucleotide variant.
Coding change: c.1131G>A on transcript NM_004655.4 (MANE Select); coding-DNA position 1131, G replaced by A.
Protein change: p.Arg377=; no amino-acid change (arginine 377 retained).
Molecular consequence: synonymous variant.
Genome position (GRCh38, 1-based): chr17:65,538,272, C>T on the plus strand (G>A on the coding strand, the complement: AXIN2 is on the minus strand). VCF-style: chr17-65538272-C-T. GRCh37 (hg19) VCF-style: chr17-63534390-C-T.
Other names: c.1131G>A (LRG_296t1); c.1131G>A, p.Arg377= (NM_001363813.1).
Identifiers: ClinVar variation 415205 (VCV000415205.13), dbSNP rs1060504480, ClinGen allele CA16615891.